The following is an entry in ClinVar:

NM_053025.4(MYLK):c.2125G>C (p.Val709Leu)

Gene: MYLK (myosin light chain kinase; minus strand). Cytogenetic location: 3q21.1.
Variant type: single nucleotide variant.
Coding change: c.2125G>C on transcript NM_053025.4 (MANE Select); coding-DNA position 2125, G replaced by C.
Protein change: p.Val709Leu; replaces valine 709 with leucine.
Molecular consequence: missense variant.
Genome position (GRCh38, 1-based): chr3:123,708,713, C>G on the plus strand (G>C on the coding strand, the complement: MYLK is on the minus strand). VCF-style: chr3-123708713-C-G. GRCh37 (hg19) VCF-style: chr3-123427560-C-G.
Other names: c.1597G>C, p.Val533Leu (NM_001321309.2); c.1918G>C, p.Val640Leu (NM_053026.4, NM_053028.4); c.2125G>C, p.Val709Leu (NM_053027.4); short protein forms V640L, V709L, V533L.
Identifiers: ClinVar variation 1786314 (VCV001786314.2), dbSNP rs112537316, ClinGen allele CA354234226.

ClinVar aggregate classification (germline): Uncertain significance (1 of 4 stars; one submission).

Conditions:
Familial thoracic aortic aneurysm and aortic dissection (TAAD). Also called: Thoracic aortic aneurysms and dissections. Identifiers: Orphanet 91387, MedGen C4707243, MONDO:0019625.

gnomAD v4.1: 5 of 1,614,098 alleles (0.00031%); highest among the groups gnomAD compares: Non-Finnish European, 0.00042%; no homozygotes.

Submission:

Ambry Genetics
Classification: Uncertain significance for Familial thoracic aortic aneurysm and aortic dissection. Last evaluated: 2022-06-14. Review status: criteria provided, single submitter. Criteria: Ambry Variant Classification Scheme 2023. Collection method: clinical testing. Allele origin: germline.
Comment: The p.V709L variant (also known as c.2125G>C), located in coding exon 12 of the MYLK gene, results from a G to C substitution at nucleotide position 2125. The valine at codon 709 is replaced by leucine, an amino acid with highly similar properties. This amino acid position is conserved. In addition, this alteration is predicted to be tolerated by in silico analysis. Since supporting evidence is limited at this time, the clinical significance of this alteration remains unclear.